The following is an entry in ClinVar:

NM_001372.4(DNAH9):c.1603G>A (p.Asp535Asn)

Gene: DNAH9 (dynein axonemal heavy chain 9; plus strand). Cytogenetic location: 17p12.
Variant type: single nucleotide variant.
Coding change: c.1603G>A on transcript NM_001372.4 (MANE Select); coding-DNA position 1603, G replaced by A.
Protein change: p.Asp535Asn; replaces aspartic acid 535 with asparagine.
Molecular consequence: missense variant.
Genome position (GRCh38, 1-based): chr17:11,632,671, G>A. VCF-style: chr17-11632671-G-A. GRCh37 (hg19) VCF-style: chr17-11535988-G-A.
Other names: short protein forms D535N.
Identifiers: ClinVar variation 1405953 (VCV001405953.5), dbSNP rs766189999, ClinGen allele CA8394906.

ClinVar aggregate classification (germline): Uncertain significance (1 of 4 stars; one submission).

Allele frequency attached by ClinVar (database versions not stated): gnomAD exomes below 0.00001 and 0.00002; ExAC 0.00001; gnomAD 0.00007 and 0.00009.
gnomAD v4.1: 18 of 1,607,178 alleles (0.0011%); highest among the groups gnomAD compares: Admixed American, 0.017%; no homozygotes.

Submission:

Labcorp Genetics (formerly Invitae), Labcorp
Classification: Uncertain significance. Last evaluated: 2025-04-13. Review status: criteria provided, single submitter. Criteria: Invitae Variant Classification Sherloc (09022015). Collection method: clinical testing. Allele origin: germline.
Comment: This sequence change replaces aspartic acid, which is acidic and polar, with asparagine, which is neutral and polar, at codon 535 of the DNAH9 protein (p.Asp535Asn). This variant is present in population databases (rs766189999, gnomAD 0.003%). This variant has not been reported in the literature in individuals affected with DNAH9-related conditions. ClinVar contains an entry for this variant (Variation ID: 1405953). An algorithm developed to predict the effect of missense changes on protein structure and function outputs the following: PolyPhen-2: "Benign". The asparagine amino acid residue is found in multiple mammalian species, which suggests that this missense change does not adversely affect protein function. In summary, the available evidence is currently insufficient to determine the role of this variant in disease. Therefore, it has been classified as a Variant of Uncertain Significance.